The following is an entry in ClinVar:

ClinVar aggregate classification (germline): Uncertain significance (1 of 4 stars; one submission).

Conditions:
Hyperkalemic periodic paralysis. Also called: Familial hyperkalemic periodic paralysis; Gamstorp disease. Identifiers: Orphanet 682, MedGen C0238357, MONDO:0008224, OMIM 170500, HP:0007215.

Allele frequency attached by ClinVar (database versions not stated): TOPMed below 0.00001; gnomAD 0.00001.
gnomAD v4.1: 1 of 1,613,100 alleles (0.000062%); highest among the groups gnomAD compares: Non-Finnish European, 0.000085%; no homozygotes.

Submission:

Molecular Genetics, Royal Melbourne Hospital
Classification: Uncertain significance for Hyperkalemic periodic paralysis. Last evaluated: 2021-04-09. Review status: criteria provided, single submitter. Criteria: ACMG Guidelines, 2015. Collection method: clinical testing. Allele origin: germline.
Comment: This sequence change is predicted to replace glycine with glutamic acid at codon 1762 of the SCN4A protein (p.(Gly1762Glu)). The glycine residue is weakly conserved (100 vertebrates, UCSC), and is located in the cytoplasmic region in no known functional domain. There is a moderate physicochemical difference between glycine and glutamic acid. The variant is present in a single individual in a large population cohort (absent in gnomAD v2.1 and 1/152,192 alleles in gnomAD v3.1), and has not been reported in the relevant medical literature and databases. Multiple lines of computational evidence predict a benign effect for the missense substitution (5/6 algorithms). Based on the classification scheme RMH Modified ACMG Guidelines v1.3.1, this variant is classified as a VARIANT OF UNCERTAIN SIGNIFICANCE. Following criteria are met: PM2_Supporting.

NM_000334.4(SCN4A):c.5285G>A (p.Gly1762Glu)

Genes: SCN4A (sodium voltage-gated channel alpha subunit 4; minus strand), GH-LCR (growth hormone locus control region; plus strand). Cytogenetic location: 17q23.3.
Variant type: single nucleotide variant.
Coding change: c.5285G>A on transcript NM_000334.4 (MANE Select); coding-DNA position 5285, G replaced by A.
Protein change: p.Gly1762Glu; replaces glycine 1762 with glutamic acid.
Molecular consequence: missense variant.
Genome position (GRCh38, 1-based): chr17:63,940,997, C>T on the plus strand (G>A on the coding strand, the complement: SCN4A is on the minus strand). VCF-style: chr17-63940997-C-T. GRCh37 (hg19) VCF-style: chr17-62018357-C-T.
Other names: short protein forms G1762E.
Identifiers: ClinVar variation 1678596 (VCV001678596.2), dbSNP rs1328990008, ClinGen allele CA400613020.